The following is an entry in ClinVar:

NM_005751.5(AKAP9):c.1946G>A (p.Arg649Gln)

Gene: AKAP9 (A-kinase anchoring protein 9; plus strand). Cytogenetic location: 7q21.2.
Variant type: single nucleotide variant.
Coding change: c.1946G>A on transcript NM_005751.5 (MANE Select); coding-DNA position 1946, G replaced by A.
Protein change: p.Arg649Gln; replaces arginine 649 with glutamine.
Molecular consequence: missense variant.
Genome position (GRCh38, 1-based): chr7:92,001,863, G>A. VCF-style: chr7-92001863-G-A. GRCh37 (hg19) VCF-style: chr7-91631177-G-A.
Other names: c.1946G>A, p.Arg649Gln (NM_147185.3); short protein forms R649Q.
Identifiers: ClinVar variation 1783136 (VCV001783136.7), dbSNP rs758729015, ClinGen allele CA4336077.
Genomic context (GRCh38, chr7:92,001,863, plus strand): 5'-TTCTATTTAGTCACGAAGAAGAGCTTTCCAAACTGAAGGAAGATTTAGAAATTGAACATC[G>A]AATAAATATTGAAAAACTTAAAGATAATTTAGGCATTCACTATAAACAGCAGATAGATGG-3'
Protein context (NP_005742.4, residues 639-659): KLKEDLEIEH[Arg649Gln]INIEKLKDNL

ClinVar aggregate classification (germline): Uncertain significance. Review status: criteria provided, multiple submitters, no conflicts (2 of 4 stars). 2 submissions from 2 submitters: Uncertain significance (2). Last evaluated 2026-01-08.

Conditions:
Long QT syndrome (LQTS). Identifiers: MedGen C0023976, MeSH D008133, MONDO:0002442. Disease mechanism: loss of function. Inheritance: Various modes of inheritance.
Cardiovascular phenotype. Identifiers: MedGen CN230736.

Allele frequency attached by ClinVar (database versions not stated): gnomAD exomes below 0.00001; ExAC 0.00001.

Submissions (2):

Labcorp Genetics (formerly Invitae), Labcorp
Classification: Uncertain significance for Long QT syndrome. Last evaluated: 2026-01-08. Review status: criteria provided, single submitter. Criteria: Invitae Variant Classification Sherloc (09022015). Collection method: clinical testing. Allele origin: germline.
Comment: This sequence change replaces arginine, which is basic and polar, with glutamine, which is neutral and polar, at codon 649 of the AKAP9 protein (p.Arg649Gln). This variant is present in population databases (rs758729015, gnomAD 0.0009%). This missense change has been observed in individual(s) with clinical features of AKAP9-related conditions (PMID: 30847666). ClinVar contains an entry for this variant (Variation ID: 1783136). An algorithm developed to predict the effect of missense changes on protein structure and function outputs the following: PolyPhen-2: "Benign". The glutamine amino acid residue is found in multiple mammalian species, which suggests that this missense change does not adversely affect protein function. In summary, the available evidence is currently insufficient to determine the role of this variant in disease. Therefore, it has been classified as a Variant of Uncertain Significance.

Ambry Genetics
Classification: Uncertain significance for Cardiovascular phenotype. Last evaluated: 2022-09-28. Review status: criteria provided, single submitter. Criteria: Ambry Variant Classification Scheme 2023. Collection method: clinical testing. Allele origin: germline.
Comment: The p.R649Q variant (also known as c.1946G>A), located in coding exon 8 of the AKAP9 gene, results from a G to A substitution at nucleotide position 1946. The arginine at codon 649 is replaced by glutamine, an amino acid with highly similar properties. This amino acid position is not well conserved in available vertebrate species. In addition, this alteration is predicted to be tolerated by in silico analysis. The evidence for this gene-disease relationship is limited; therefore, the clinical significance of this alteration is unclear.

Literature cited by the submitters: PubMed 30847666 (cited by Labcorp Genetics (formerly Invitae), Labcorp).